The following is an entry in ClinVar:

NM_001370298.3(FGD4):c.2244_2313+238delinsGGAGG

Gene: FGD4 (FYVE, RhoGEF and PH domain containing 4; plus strand). Cytogenetic location: 12p11.21.
Variant type: Indel.
Coding change: c.2244_2313+238delinsGGAGG on transcript NM_001370298.3 (MANE Select); coding-DNA position 2244 through 238 bases into the intron after coding-DNA position 2313, the reference bases replaced by GGAGG.
Molecular consequence: splice donor variant.
Genome position (GRCh38, 1-based): chr12:32,633,620-32,633,927, 308 bases replaced. GRCh37 (hg19): chr12:32,786,554-32,786,861.
Other names: c.2244_2313+238delinsGGAGG (NM_001384126.1); c.2088_2157+238delinsGGAGG (NM_001304481.2); c.1554_1623+238delinsGGAGG (NM_001330374.2, NM_001330373.2, NM_001384130.1); c.1833_1902+238delinsGGAGG (NM_139241.3, NM_001384127.1, NM_001385118.1 and 1 more transcripts); c.801_870+238delinsGGAGG (NM_001304484.2); c.1281_1350+238delinsGGAGG (NM_001370297.1); c.1089_1158+238delinsGGAGG (NM_001304483.2).
Identifiers: ClinVar variation 848428 (VCV000848428.8), dbSNP rs1950619177, ClinGen allele CA916083295.

ClinVar aggregate classification (germline): Likely pathogenic (1 of 4 stars; one submission).

Conditions:
Charcot-Marie-Tooth disease type 4. Also called: Charcot-Marie-Tooth disease, type IV; Charcot-Marie-Tooth, Type 4. Identifiers: Orphanet 64749, MedGen C4082197, MONDO:0018995.

Submission:

Labcorp Genetics (formerly Invitae), Labcorp
Classification: Likely pathogenic for Charcot-Marie-Tooth disease type 4. Last evaluated: 2023-11-27. Review status: criteria provided, single submitter. Criteria: Invitae Variant Classification Sherloc (09022015). Collection method: clinical testing. Allele origin: germline.
Comment: This variant results in the deletion of part of exon 15 (c.1833_1902+238delinsGGAGG) of the FGD4 gene. It is expected to disrupt RNA splicing. Variants that disrupt the donor or acceptor splice site typically lead to a loss of protein function (PMID: 16199547), and loss-of-function variants in FGD4 are known to be pathogenic (PMID: 17564972). This variant is not present in population databases (gnomAD no frequency). This variant has not been reported in the literature in individuals affected with FGD4-related conditions. ClinVar contains an entry for this variant (Variation ID: 848428). In summary, the currently available evidence indicates that the variant is pathogenic, but additional data are needed to prove that conclusively. Therefore, this variant has been classified as Likely Pathogenic.

Literature cited by the submitters: PubMed 16199547; PubMed 17564972.